The following is an entry in ClinVar:

NM_001005361.3(DNM2):c.2201A>G (p.Asn734Ser)

Gene: DNM2 (dynamin 2; plus strand). Cytogenetic location: 19p13.2.
Variant type: single nucleotide variant.
Coding change: c.2201A>G on transcript NM_001005361.3 (MANE Select); coding-DNA position 2201, A replaced by G.
Protein change: p.Asn734Ser; replaces asparagine 734 with serine.
Molecular consequence: missense variant.
Genome position (GRCh38, 1-based): chr19:10,829,178, A>G. VCF-style: chr19-10829178-A-G. GRCh37 (hg19) VCF-style: chr19-10939854-A-G.
Other names: c.2201A>G, p.Asn734Ser (NM_001005360.3, NM_001190716.2); c.2189A>G, p.Asn730Ser (NM_001005362.3, NM_004945.4); short protein forms N734S, N730S.
Identifiers: ClinVar variation 447273 (VCV000447273.60), dbSNP rs577767034, ClinGen allele CA9201545.

ClinVar aggregate classification (germline): Benign/Likely benign. Review status: criteria provided, multiple submitters, no conflicts (2 of 4 stars). 7 submissions from 7 submitters: Benign (4); Likely benign (3). Last evaluated 2026-01-12.

Conditions:
Charcot-Marie-Tooth disease dominant intermediate B (CMTDIB). Also called: CHARCOT-MARIE-TOOTH NEUROPATHY, DOMINANT INTERMEDIATE B; Charcot-Marie-Tooth disease dominant intermediate 1; CMT DI1; Charcot-Marie-Tooth disease dominant intermediate I. Identifiers: Orphanet 100044, Orphanet 228179, MedGen C1847902, MONDO:0011674, OMIM 606482.

Allele frequency attached by ClinVar (database versions not stated): gnomAD 0.00001 and 0.00006; TOPMed 0.00004; gnomAD exomes 0.00014 and 0.00027; ExAC 0.00029; 1000 Genomes Project 30x 0.00031; 1000 Genomes Project 0.00040.

Submissions (7):

Labcorp Genetics (formerly Invitae), Labcorp
Classification: Benign for Charcot-Marie-Tooth disease dominant intermediate B. Last evaluated: 2026-01-12. Review status: criteria provided, single submitter. Criteria: Invitae Variant Classification Sherloc (09022015). Collection method: clinical testing. Allele origin: germline.

CeGaT Center for Human Genetics Tuebingen
Classification: Likely benign. Last evaluated: 2025-11-01. Review status: criteria provided, single submitter. Criteria: CeGaT Center For Human Genetics Tuebingen Variant Classification Criteria Version 2. Collection method: clinical testing. Allele origin: germline. Affected: yes. Observed: 4 variant alleles.
Comment: DNM2: BP4, BS2

Revvity Omics, Revvity
Classification: Benign. Last evaluated: 2024-11-27. Review status: criteria provided, single submitter. Criteria: ACMG Guidelines, 2015. Collection method: clinical testing. Allele origin: germline.

Blueprint Genetics
Classification: Likely benign. Last evaluated: 2024-11-26. Review status: criteria provided, single submitter. Criteria: ACMG Guidelines, 2015. Collection method: clinical testing. Allele origin: germline.

GeneDx
Classification: Benign. Last evaluated: 2021-06-04. Review status: criteria provided, single submitter. Criteria: GeneDx Variant Classification Process June 2021. Collection method: clinical testing. Allele origin: germline. Affected: yes.

Dubai Health Genomic Medicine Center, Dubai Health
Classification: Likely benign. Last evaluated: 2020-03-22. Review status: criteria provided, single submitter. Criteria: ACMG Guidelines, 2015. Collection method: clinical testing. Allele origin: germline. Affected: yes.

Athena Diagnostics
Classification: Benign. Last evaluated: 2016-09-01. Review status: criteria provided, single submitter. Criteria: Athena Diagnostics Criteria. Collection method: clinical testing. Allele origin: germline.

Literature cited by the submitters: PubMed 27549087 (cited by Athena Diagnostics).